The following is an entry in ClinVar:

ClinVar aggregate classification (germline): Uncertain significance (1 of 4 stars; one submission).

Conditions:
Hereditary cancer-predisposing syndrome. Also called: Neoplastic Syndromes, Hereditary; Tumor predisposition; Hereditary Cancer Syndrome; Hereditary neoplastic syndrome. Identifiers: Orphanet 140162, MedGen C0027672, MeSH D009386, MONDO:0015356.

Allele frequency attached by ClinVar (database versions not stated): gnomAD exomes 0.00001.
gnomAD v4.1: 5 of 1,610,012 alleles (0.00031%); highest among the groups gnomAD compares: East Asian, 0.0022%; no homozygotes.

Submission:

Ambry Genetics
Classification: Uncertain significance for Hereditary cancer-predisposing syndrome. Last evaluated: 2020-09-29. Review status: criteria provided, single submitter. Criteria: Ambry Variant Classification Scheme 2023. Collection method: clinical testing. Allele origin: germline.
Comment: The p.C259Y variant (also known as c.776G>A), located in coding exon 3 of the XRCC2 gene, results from a G to A substitution at nucleotide position 776. The cysteine at codon 259 is replaced by tyrosine, an amino acid with highly dissimilar properties. This amino acid position is poorly conserved in available vertebrate species. In addition, this alteration is predicted to be tolerated by in silico analysis. Since supporting evidence is limited at this time, the clinical significance of this alteration remains unclear.

NM_005431.2(XRCC2):c.776G>A (p.Cys259Tyr)

Gene: XRCC2 (X-ray repair cross complementing 2; minus strand). Cytogenetic location: 7q36.1.
Variant type: single nucleotide variant.
Coding change: c.776G>A on transcript NM_005431.2 (MANE Select); coding-DNA position 776, G replaced by A.
Protein change: p.Cys259Tyr; replaces cysteine 259 with tyrosine.
Molecular consequence: missense variant.
Genome position (GRCh38, 1-based): chr7:152,648,709, C>T on the plus strand (G>A on the coding strand, the complement: XRCC2 is on the minus strand). VCF-style: chr7-152648709-C-T. GRCh37 (hg19) VCF-style: chr7-152345794-C-T.
Other names: short protein forms C259Y.
Identifiers: ClinVar variation 1760538 (VCV001760538.2), dbSNP rs2116987028, ClinGen allele CA370197969.